The following is an entry in ClinVar:

ClinVar aggregate classification (germline): Likely benign (1 of 4 stars; one submission).

Submission:

CeGaT Center for Human Genetics Tuebingen
Classification: Likely benign. Last evaluated: 2026-01-01. Review status: criteria provided, single submitter. Criteria: CeGaT Center For Human Genetics Tuebingen Variant Classification Criteria Version 2. Collection method: clinical testing. Allele origin: germline. Affected: yes. Observed: 1 variant allele.
Comment: BRCA1: PM2:Supporting, BP4, BP7

NM_007294.4(BRCA1):c.1734T>A (p.Ser578=)

Gene: BRCA1 (BRCA1 DNA repair associated; minus strand). Cytogenetic location: 17q21.31.
Variant type: single nucleotide variant.
Coding change: c.1734T>A on transcript NM_007294.4 (MANE Select); coding-DNA position 1734, T replaced by A.
Protein change: p.Ser578=; no amino-acid change (serine 578 retained).
Molecular consequence: synonymous variant. On other transcripts: intron variant (137).
Genome position (GRCh38, 1-based): chr17:43,093,797, A>T on the plus strand (T>A on the coding strand, the complement: BRCA1 is on the minus strand). VCF-style: chr17-43093797-A-T. GRCh37 (hg19) VCF-style: chr17-41245814-A-T.
Other names: c.523+947T>A (NM_001408501.1, NM_001408500.1, NM_001408497.1 and 3 more transcripts); c.646+947T>A (NM_001408455.1, NM_001408466.1, NM_001408452.1 and 11 more transcripts); c.577+947T>A (NM_001408513.1, NM_001408489.1, NM_001408479.1 and 9 more transcripts); c.520+947T>A (NM_001408503.1, NM_001408505.1, NM_001408504.1); c.787+947T>A (NM_001407973.1, NM_001408403.1, NM_001407983.1 and 19 more transcripts); c.404-2765T>A (NM_001408511.1); c.460+2049T>A (NM_001408507.1, NM_001408506.1); c.545-2765T>A (NM_001408495.1); and 40 more.
Identifiers: ClinVar variation 4820939 (VCV004820939.4).
Genomic context (GRCh38, chr17:43,093,797, plus strand): 5'-TAATTCGAGTTCCATATTGCTTATACTGCTGCTTATAGGTTCAGCTTTCGTTTTGAAAGC[A>T]GATTCTTTTTCGAGTGATTCTATTGGGTTAGGATTTTTCTCATTCTGAATAGAATCACCT-3'
Protein context (NP_009225.1, residues 568-588): PNPIESLEKE[Ser578=]AFKTKAEPIS